The following is an entry in ClinVar:

ClinVar aggregate classification (germline): Uncertain significance (1 of 4 stars; one submission).

Conditions:
Inborn genetic diseases. Identifiers: MedGen C0950123, MeSH D030342.

gnomAD v4.1: 4 of 1,613,590 alleles (0.00025%); highest among the groups gnomAD compares: Admixed American, 0.0017%; no homozygotes.

Submission:

Ambry Genetics
Classification: Uncertain significance for Inborn genetic diseases. Last evaluated: 2025-03-16. Review status: criteria provided, single submitter. Criteria: Ambry Variant Classification Scheme 2023. Collection method: clinical testing. Allele origin: germline.
Comment: The p.I478V variant (also known as c.1432A>G), located in coding exon 9 of the ERCC6L2 gene, results from an A to G substitution at nucleotide position 1432. The isoleucine at codon 478 is replaced by valine, an amino acid with highly similar properties. This amino acid position is conserved. In addition, this alteration is predicted to be tolerated by in silico analysis. Based on the available evidence, the clinical significance of this variant remains unclear.

NM_020207.7(ERCC6L2):c.1432A>G (p.Ile478Val)

Gene: ERCC6L2 (ERCC excision repair 6 like 2; plus strand). Cytogenetic location: 9q22.32.
Variant type: single nucleotide variant.
Coding change: c.1432A>G on transcript NM_020207.7 (MANE Select); coding-DNA position 1432, A replaced by G.
Protein change: p.Ile478Val; replaces isoleucine 478 with valine.
Molecular consequence: missense variant. On other transcripts: non-coding transcript variant (1).
Genome position (GRCh38, 1-based): chr9:95,923,278, A>G. VCF-style: chr9-95923278-A-G. GRCh37 (hg19) VCF-style: chr9-98685560-A-G.
Other names: c.1432A>G, p.Ile478Val (NM_001010895.4, NM_001375291.1, NM_001375292.1 and 2 more transcripts); short protein forms I478V.
Identifiers: ClinVar variation 4019241 (VCV004019241.1).